The following is an entry in ClinVar:

ClinVar aggregate classification (germline): Uncertain significance. Review status: criteria provided, multiple submitters, no conflicts (2 of 4 stars). 7 submissions from 7 submitters: Uncertain significance (6). 1 of the submissions does not count toward it. Last evaluated 2025-11-21.

Conditions:
Occult macular dystrophy (OCMD). Also called: OMD; OCCULT MACULAR DYSTROPHY, SUSCEPTIBILITY TO. Identifiers: Orphanet 247834, MedGen C3150833, MONDO:0013316, OMIM 613587, HP:0030636.
Retinitis pigmentosa 88. Identifiers: MedGen C5394208, MONDO:0032940, OMIM 618826.
RP1L1-related disorder. Also called: RP1L1-related condition.
Retinal dystrophy. Also called: Inherited retinal dystrophy. Identifiers: Orphanet 71862, MedGen C0854723, MeSH D058499, MONDO:0019118, HP:0000556.
Retinitis pigmentosa (RP). Identifiers: Orphanet 791, MedGen C0035334, MeSH D012174, MONDO:0019200, OMIM 268000. Inheritance: Autosomal dominant, autosomal recessive and X linked inheritance.

Allele frequency attached by ClinVar (database versions not stated): TOPMed 0.00006; ESP Exome Variant Server 0.00008; gnomAD 0.00009; gnomAD exomes 0.00012 and 0.00014; ExAC 0.00016.

Submissions (7):

Labcorp Genetics (formerly Invitae), Labcorp
Classification: Uncertain significance. Last evaluated: 2025-11-21. Review status: criteria provided, single submitter. Criteria: Invitae Variant Classification Sherloc (09022015). Collection method: clinical testing. Allele origin: germline.
Comment: This sequence change replaces arginine, which is basic and polar, with cysteine, which is neutral and slightly polar, at codon 79 of the RP1L1 protein (p.Arg79Cys). This variant is present in population databases (rs377269054, gnomAD 0.04%). This missense change has been observed in individual(s) with autosomal recessive retinal dystrophy (PMID: 25324289). ClinVar contains an entry for this variant (Variation ID: 143165). Invitae Evidence Modeling of protein sequence and biophysical properties (such as structural, functional, and spatial information, amino acid conservation, physicochemical variation, residue mobility, and thermodynamic stability) has been performed for this missense variant. However, the output from this modeling did not meet the statistical confidence thresholds required to predict the impact of this variant on RP1L1 protein function. In summary, the available evidence is currently insufficient to determine the role of this variant in disease. Therefore, it has been classified as a Variant of Uncertain Significance.

PreventionGenetics, part of Exact Sciences
Classification: Uncertain significance for RP1L1-related condition. Last evaluated: 2025-05-28. Review status: criteria provided, single submitter. Criteria: ACMG Guidelines, 2015. Collection method: clinical testing. Allele origin: germline.
Comment: The RP1L1 c.235C>T variant is predicted to result in the amino acid substitution p.Arg79Cys. This variant has been reported in the homozygous state in an individual with retinitis pigmentosa (Supplementary Table 4, Oishi et al. 2014. PubMed ID: 25324289). This variant is reported in 0.046% of alleles in individuals of East Asian descent in gnomAD. At this time, the clinical significance of this variant is uncertain due to the absence of conclusive functional and genetic evidence.

Blueprint Genetics
Classification: Uncertain significance. Last evaluated: 2024-11-27. Review status: criteria provided, single submitter. Criteria: ACMG Guidelines, 2015. Collection method: clinical testing. Allele origin: germline.

Dept Of Ophthalmology, Nagoya University
Classification: Uncertain significance for Retinal dystrophy. Last evaluated: 2023-10-01. Review status: criteria provided, single submitter. Criteria: Submitter's publication. Collection method: research. Allele origin: germline. Affected: yes.

Institute of Human Genetics, Univ. Regensburg, Univ. Regensburg
Classification: Uncertain significance for Retinal dystrophy. Last evaluated: 2023-01-01. Review status: criteria provided, single submitter. Criteria: ACMG Guidelines, 2015. Collection method: clinical testing. Allele origin: germline. Affected: yes.

Department of Pathology and Laboratory Medicine, Sinai Health System
Classification: Uncertain significance for Occult macular dystrophy; Retinitis pigmentosa 88. Last evaluated: 2022-12-02. Review status: criteria provided, single submitter. Criteria: ACMG Guidelines, 2015. Collection method: research. Allele origin: germline.

Department of Ophthalmology and Visual Sciences Kyoto University
Classification: Likely pathogenic for Retinitis pigmentosa. Review status: no assertion criteria provided. Collection method: not provided. Allele origin: unknown. Not counted in ClinVar's aggregate classification.
ClinVar note: Converted during submission from probable-pathogenic to Likely pathogenic.

Literature cited by the submitters: PubMed 25324289 (cited by Labcorp Genetics (formerly Invitae), Labcorp and Institute of Human Genetics, Univ. Regensburg, Univ. Regensburg); PubMed 3158961 (cited by Institute of Human Genetics, Univ. Regensburg, Univ. Regensburg).

NM_178857.6(RP1L1):c.235C>T (p.Arg79Cys)

Gene: RP1L1 (RP1 like 1). Cytogenetic location: 8p23.1.
Variant type: single nucleotide variant.
Coding change: c.235C>T on transcript NM_178857.6 (MANE Select); coding-DNA position 235, C replaced by T.
Protein change: p.Arg79Cys; replaces arginine 79 with cysteine.
Molecular consequence: missense variant.
Genome position (GRCh38, 1-based): chr8:10,622,967, G>A on the plus strand (C>T on the coding strand, the complement: RP1L1 is on the minus strand). VCF-style: chr8-10622967-G-A. GRCh37 (hg19) VCF-style: chr8-10480477-G-A.
Other names: short protein forms R79C.
Identifiers: ClinVar variation 143165 (VCV000143165.10), dbSNP rs377269054, ClinGen allele CA270131.
Genomic context (GRCh38, chr8:10,622,967, plus strand): 5'-CATCTTCCAGCTGCTCCAGGGCGCTGAGGCTATGCAGGCCCCGGGGTGTGGTGACAGAGC[G>A]CACCCCAAAGGAGAGAGGCACGCGCTGGGAGAGCTCGTCCATGAGGGCGCTGAAGGTCTT-3'
Protein context (NP_849188.4, residues 69-89): SQRVPLSFGV[Arg79Cys]SVTTPRGLHS